The following is an entry in ClinVar:

ClinVar aggregate classification (germline): Pathogenic. Review status: criteria provided, single submitter (1 of 4 stars). 2 submissions from 2 submitters: Pathogenic (1). 1 of the submissions does not count toward it. Last evaluated 2018-09-05.

Conditions:
Duchenne muscular dystrophy (DMD). Also called: MUSCULAR DYSTROPHY, PSEUDOHYPERTROPHIC PROGRESSIVE, DUCHENNE TYPE; Duchenne Muscular Dystrophy (DMD). Identifiers: Orphanet 98896, MedGen C0013264, MONDO:0010679, OMIM 310200.

Submissions (2):

Labcorp Genetics (formerly Invitae), Labcorp
Classification: Pathogenic for Duchenne muscular dystrophy. Last evaluated: 2018-09-05. Review status: criteria provided, single submitter. Criteria: Invitae Variant Classification Sherloc (09022015). Collection method: clinical testing. Allele origin: germline.
Comment: For these reasons, this variant has been classified as Pathogenic. Loss-of-function variants in DMD are known to be pathogenic (PMID: 16770791, 25007885). A different variant (c.3189G>A) giving rise to the same protein effect observed here (p.Trp1063*) has also been reported in an individual affected with Duchenne Muscular Dystrophy (PMID: 28318817). This variant has been observed in several individuals affected with Duchenne Muscular Dystrophy (PMID: 7951253, Invitae). ClinVar contains an entry for this variant (Variation ID: 11255). This variant is not present in population databases (ExAC no frequency). This sequence change creates a premature translational stop signal (p.Trp1063*) in the DMD gene. It is expected to result in an absent or disrupted protein product.

OMIM
Classification: Pathogenic for DUCHENNE MUSCULAR DYSTROPHY. Last evaluated: 1994-01-01. Review status: no assertion criteria provided. Collection method: literature only. Allele origin: germline. Not counted in ClinVar's aggregate classification.

Literature cited by the submitters: PubMed 16770791 (cited by Labcorp Genetics (formerly Invitae), Labcorp); PubMed 25007885 (cited by Labcorp Genetics (formerly Invitae), Labcorp); PubMed 28318817 (cited by Labcorp Genetics (formerly Invitae), Labcorp); PubMed 7951253 (cited by Labcorp Genetics (formerly Invitae), Labcorp and OMIM).

NM_004006.3(DMD):c.3188G>A (p.Trp1063Ter)

Gene: DMD (dystrophin; minus strand). Cytogenetic location: Xp21.1.
Variant type: single nucleotide variant.
Coding change: c.3188G>A on transcript NM_004006.3 (MANE Select); coding-DNA position 3188, G replaced by A.
Protein change: p.Trp1063Ter; replaces tryptophan 1063 with a stop codon.
Molecular consequence: nonsense.
Genome position (GRCh38, 1-based): chrX:32,464,674, C>T on the plus strand (G>A on the coding strand, the complement: DMD is on the minus strand). VCF-style: chrX-32464674-C-T. GRCh37 (hg19) VCF-style: chrX-32482791-C-T.
Other names: c.3164G>A, p.Trp1055Ter (NM_000109.4); c.3176G>A, p.Trp1059Ter (NM_004009.3); c.2819G>A, p.Trp940Ter (NM_004010.3); short protein forms W1063*, W1059*, W1055*, W940*.
Identifiers: ClinVar variation 11255 (VCV000011255.12), dbSNP rs128626246, ClinGen allele CA341061.